The following is an entry in ClinVar:

NM_014639.4(SKIC3):c.1758-1G>T

Gene: SKIC3 (SKI3 subunit of superkiller complex; minus strand). Cytogenetic location: 5q15.
Variant type: single nucleotide variant.
Coding change: c.1758-1G>T on transcript NM_014639.4 (MANE Select); the canonical splice acceptor site of the intron before coding-DNA position 1758, G replaced by T.
Molecular consequence: splice acceptor variant.
Genome position (GRCh38, 1-based): chr5:95,522,308, C>A on the plus strand (G>T on the coding strand, the complement: SKIC3 is on the minus strand). VCF-style: chr5-95522308-C-A. GRCh37 (hg19) VCF-style: chr5-94858012-C-A.
Identifiers: ClinVar variation 3683249 (VCV003683249.2).
Genomic context (GRCh38, chr5:95,522,308, plus strand): 5'-TCTCCTAACGATTCCCAACAATTGAAGTCCTTTGGGTCTGCTCTTAATGCTGCCTGTAAA[C>A]TAAAATTTAAAAAACCGTAAGAGAACTAAAAGTATGGAACTATCTCCAAATCTGAAAGGA-3'

ClinVar aggregate classification (germline): Likely pathogenic (1 of 4 stars; one submission).

gnomAD v4.1: 2 of 1,612,832 alleles (0.00012%); highest among the groups gnomAD compares: Non-Finnish European, 0.00017%; no homozygotes.

Submission:

Labcorp Genetics (formerly Invitae), Labcorp
Classification: Likely pathogenic. Last evaluated: 2024-12-10. Review status: criteria provided, single submitter. Criteria: Invitae Variant Classification Sherloc (09022015). Collection method: clinical testing. Allele origin: germline.
Comment: This sequence change affects an acceptor splice site in intron 18 of the TTC37 gene. It is expected to disrupt RNA splicing. Variants that disrupt the donor or acceptor splice site typically lead to a loss of protein function (PMID: 16199547), and loss-of-function variants in TTC37 are known to be pathogenic (PMID: 20176027, 21120949). This variant is not present in population databases (gnomAD no frequency). This variant has not been reported in the literature in individuals affected with TTC37-related conditions. Algorithms developed to predict the effect of sequence changes on RNA splicing suggest that this variant may disrupt the consensus splice site. In summary, the currently available evidence indicates that the variant is pathogenic, but additional data are needed to prove that conclusively. Therefore, this variant has been classified as Likely Pathogenic.

Literature cited by the submitters: PubMed 16199547; PubMed 20176027; PubMed 21120949.